The following is an entry in ClinVar:

ClinVar aggregate classification (germline): Likely pathogenic (1 of 4 stars; one submission).

Conditions:
Inborn genetic diseases. Identifiers: MedGen C0950123, MeSH D030342.

Submission:

Ambry Genetics
Classification: Likely pathogenic for Inborn genetic diseases. Last evaluated: 2025-01-23. Review status: criteria provided, single submitter. Criteria: Ambry Variant Classification Scheme 2023. Collection method: clinical testing. Allele origin: germline.
Comment: The c.1012G>T (p.D338Y) alteration is located in exon 10 (coding exon 10) of the EIF4A2 gene. This alteration results from a G to T substitution at nucleotide position 1012, causing the aspartic acid (D) at amino acid position 338 to be replaced by a tyrosine (Y). This variant was not reported in population-based cohorts in the Genome Aggregation Database (gnomAD). This amino acid position is highly conserved in available vertebrate species. This missense alteration is located in a region that has a low rate of benign missense variation (Lek, 2016; Firth, 2009). This alteration is predicted to be deleterious by in silico analysis. Based on the available evidence, this alteration is classified as likely pathogenic.

NM_001967.4(EIF4A2):c.1012G>T (p.Asp338Tyr)

Gene: EIF4A2 (eukaryotic translation initiation factor 4A2; plus strand). Cytogenetic location: 3q27.3.
Variant type: single nucleotide variant.
Coding change: c.1012G>T on transcript NM_001967.4 (MANE Select); coding-DNA position 1012, G replaced by T.
Protein change: p.Asp338Tyr; replaces aspartic acid 338 with tyrosine.
Molecular consequence: missense variant.
Genome position (GRCh38, 1-based): chr3:186,787,815, G>T. VCF-style: chr3-186787815-G-T. GRCh37 (hg19) VCF-style: chr3-186505604-G-T.
Other names: short protein forms D338Y.
Identifiers: ClinVar variation 3844150 (VCV003844150.1).